The following is an entry in ClinVar:

ClinVar aggregate classification (germline): Benign/Likely benign. Review status: criteria provided, multiple submitters, no conflicts (2 of 4 stars). 8 submissions from 8 submitters: Benign (1); Likely benign (5). 2 of the submissions do not count toward it. Last evaluated 2026-04-01.

Conditions:
Inborn genetic diseases. Identifiers: MedGen C0950123, MeSH D030342.
Intellectual developmental disorder, autosomal dominant 6, with or without seizures. Also called: Intellectual disability, autosomal dominant 6; GRIN2B-related developmental delay, intellectual disability and autism spectrum disorder. Identifiers: Orphanet 589547, MedGen C3151411, MONDO:0013509, OMIM 613970.
Developmental and epileptic encephalopathy, 27 (DEE27). Also called: Epileptic encephalopathy, early infantile, 27; GRIN2B-Related Neurodevelopmental Disorder. Identifiers: Orphanet 3451, MedGen C4015316, MONDO:0014505, OMIM 616139.

Allele frequency attached by ClinVar (database versions not stated): TOPMed 0.00014; gnomAD 0.00015; gnomAD exomes 0.00016; ExAC 0.00019; 1000 Genomes Project 0.00020; 1000 Genomes Project 30x 0.00031.
gnomAD v4.1: 277 of 1,614,010 alleles (0.017%); highest among the groups gnomAD compares: East Asian, 0.038%; 1 homozygote.

Submissions (8):

CeGaT Center for Human Genetics Tuebingen
Classification: Likely benign. Last evaluated: 2026-04-01. Review status: criteria provided, single submitter. Criteria: CeGaT Center For Human Genetics Tuebingen Variant Classification Criteria Version 2. Collection method: clinical testing. Allele origin: germline. Affected: yes. Observed: 2 variant alleles.
Comment: GRIN2B: BP4, BP7

Labcorp Genetics (formerly Invitae), Labcorp
Classification: Likely benign for Developmental and epileptic encephalopathy, 27; Intellectual developmental disorder, autosomal dominant 6, with or without seizures. Last evaluated: 2026-01-21. Review status: criteria provided, single submitter. Criteria: Invitae Variant Classification Sherloc (09022015). Collection method: clinical testing. Allele origin: germline.

Blueprint Genetics
Classification: Likely benign. Last evaluated: 2024-10-09. Review status: criteria provided, single submitter. Criteria: ACMG Guidelines, 2015. Collection method: clinical testing. Allele origin: germline.

GeneDx
Classification: Benign. Last evaluated: 2018-12-31. Review status: criteria provided, single submitter. Criteria: GeneDx Variant Classification Process June 2021. Collection method: clinical testing. Allele origin: germline. Affected: yes.

Ambry Genetics
Classification: Likely benign for Inborn genetic diseases. Last evaluated: 2017-03-28. Review status: criteria provided, single submitter. Criteria: Ambry Variant Classification Scheme 2023. Collection method: clinical testing. Allele origin: germline.

Breakthrough Genomics
Classification: Likely benign. Review status: criteria provided, single submitter. Criteria: ACMG Guidelines, 2015. Collection method: not provided. Allele origin: germline. Inheritance: Autosomal dominant inheritance. Affected: yes.

Clinical Genetics DNA and cytogenetics Diagnostics Lab, Erasmus MC, Erasmus Medical Center
Classification: Likely benign. Review status: no assertion criteria provided. Collection method: clinical testing. Allele origin: germline. Affected: yes. Study: VKGL Data-share Consensus. Not counted in ClinVar's aggregate classification.

Diagnostic Laboratory, Department of Genetics, University Medical Center Groningen
Classification: Likely benign. Review status: no assertion criteria provided. Collection method: clinical testing. Allele origin: germline. Affected: yes. Study: VKGL Data-share Consensus. Not counted in ClinVar's aggregate classification.

NM_000834.5(GRIN2B):c.2481G>A (p.Ala827=)

Gene: GRIN2B (glutamate ionotropic receptor NMDA type subunit 2B; minus strand). Cytogenetic location: 12p13.1.
Variant type: single nucleotide variant.
Coding change: c.2481G>A on transcript NM_000834.5 (MANE Select); coding-DNA position 2481, G replaced by A.
Protein change: p.Ala827=; no amino-acid change (alanine 827 retained).
Molecular consequence: synonymous variant.
Genome position (GRCh38, 1-based): chr12:13,567,142, C>T on the plus strand (G>A on the coding strand, the complement: GRIN2B is on the minus strand). VCF-style: chr12-13567142-C-T. GRCh37 (hg19) VCF-style: chr12-13720076-C-T.
Identifiers: ClinVar variation 246142 (VCV000246142.28), dbSNP rs189384622, ClinGen allele CA6461048.